The following is an entry in ClinVar:

NM_005204.4(MAP3K8):c.587C>T (p.Ala196Val)

Gene: MAP3K8 (mitogen-activated protein kinase kinase kinase 8; plus strand). Cytogenetic location: 10p11.23.
Variant type: single nucleotide variant.
Coding change: c.587C>T on transcript NM_005204.4 (MANE Select); coding-DNA position 587, C replaced by T.
Protein change: p.Ala196Val; replaces alanine 196 with valine.
Molecular consequence: missense variant.
Genome position (GRCh38, 1-based): chr10:30,450,340, C>T. VCF-style: chr10-30450340-C-T. GRCh37 (hg19) VCF-style: chr10-30739269-C-T.
Other names: c.587C>T, p.Ala196Val (NM_001244134.1, NM_001320961.2); short protein forms A196V.
Identifiers: ClinVar variation 1411889 (VCV001411889.6), dbSNP rs142650056, ClinGen allele CA5459700.
Genomic context (GRCh38, chr10:30,450,340, plus strand): 5'-CATCTGATGTGGAAATCCAGGCTTGCTTCCGGCACGAGAACATCGCAGAGCTGTATGGCG[C>T]AGTCCTGTGGGGTGAAACTGTCCATCTCTTTATGGAAGCAGGCGAGGGAGGGTCTGTTCT-3'
Protein context (NP_005195.2, residues 186-206): RHENIAELYG[Ala196Val]VLWGETVHLF

ClinVar aggregate classification (germline): Uncertain significance (1 of 4 stars; one submission).

Allele frequency attached by ClinVar (database versions not stated): gnomAD exomes below 0.00001 and 0.00002; gnomAD 0.00001; ExAC 0.00002; TOPMed 0.00002; ESP Exome Variant Server 0.00015.
gnomAD v4.1: 41 of 1,613,972 alleles (0.0025%); highest among the groups gnomAD compares: Non-Finnish European, 0.0031%; no homozygotes.

Submission:

Labcorp Genetics (formerly Invitae), Labcorp
Classification: Uncertain significance. Last evaluated: 2022-10-19. Review status: criteria provided, single submitter. Criteria: Invitae Variant Classification Sherloc (09022015). Collection method: clinical testing. Allele origin: germline.
Comment: This sequence change replaces alanine, which is neutral and non-polar, with valine, which is neutral and non-polar, at codon 196 of the MAP3K8 protein (p.Ala196Val). This variant is present in population databases (rs142650056, gnomAD 0.002%). This variant has not been reported in the literature in individuals affected with MAP3K8-related conditions. ClinVar contains an entry for this variant (Variation ID: 1411889). Algorithms developed to predict the effect of missense changes on protein structure and function (SIFT, PolyPhen-2, Align-GVGD) all suggest that this variant is likely to be tolerated. In summary, the available evidence is currently insufficient to determine the role of this variant in disease. Therefore, it has been classified as a Variant of Uncertain Significance.